The following is an entry in ClinVar:

ClinVar aggregate classification (germline): Uncertain significance (1 of 4 stars; one submission).

Conditions:
Cortical dysplasia-focal epilepsy syndrome (PTHSL1). Also called: Pitt-Hopkins-like syndrome 1. Identifiers: Orphanet 163681, Orphanet 221150, MedGen C2750246, MONDO:0012400, OMIM 610042.

Allele frequency attached by ClinVar (database versions not stated): gnomAD exomes below 0.00001.
gnomAD v4.1: 2 of 1,613,974 alleles (0.00012%); highest among the groups gnomAD compares: Non-Finnish European, 0.00017%; no homozygotes.

Submission:

Labcorp Genetics (formerly Invitae), Labcorp
Classification: Uncertain significance for Cortical dysplasia-focal epilepsy syndrome. Last evaluated: 2021-05-06. Review status: criteria provided, single submitter. Criteria: Invitae Variant Classification Sherloc (09022015). Collection method: clinical testing. Allele origin: germline.
Comment: This variant has not been reported in the literature in individuals with CNTNAP2-related conditions. This variant is not present in population databases (ExAC no frequency). This sequence change replaces proline with histidine at codon 597 of the CNTNAP2 protein (p.Pro597His). The proline residue is moderately conserved and there is a moderate physicochemical difference between proline and histidine. In summary, the available evidence is currently insufficient to determine the role of this variant in disease. Therefore, it has been classified as a Variant of Uncertain Significance. Algorithms developed to predict the effect of missense changes on protein structure and function (SIFT, PolyPhen-2, Align-GVGD) all suggest that this variant is likely to be tolerated, but these predictions have not been confirmed by published functional studies and their clinical significance is uncertain.

NM_014141.6(CNTNAP2):c.1790C>A (p.Pro597His)

Gene: CNTNAP2 (contactin associated protein 2; plus strand). Cytogenetic location: 7q35.
Variant type: single nucleotide variant.
Coding change: c.1790C>A on transcript NM_014141.6 (MANE Select); coding-DNA position 1790, C replaced by A.
Protein change: p.Pro597His; replaces proline 597 with histidine.
Molecular consequence: missense variant.
Genome position (GRCh38, 1-based): chr7:147,562,150, C>A. VCF-style: chr7-147562150-C-A. GRCh37 (hg19) VCF-style: chr7-147259242-C-A.
Other names: short protein forms P597H.
Identifiers: ClinVar variation 1510761 (VCV001510761.6), dbSNP rs1800075941, ClinGen allele CA369926531.